The following is an entry in ClinVar:

NM_000440.3(PDE6A):c.1982T>C (p.Met661Thr)

Gene: PDE6A (phosphodiesterase 6A; minus strand). Cytogenetic location: 5q32.
Variant type: single nucleotide variant.
Coding change: c.1982T>C on transcript NM_000440.3 (MANE Select); coding-DNA position 1982, T replaced by C.
Protein change: p.Met661Thr; replaces methionine 661 with threonine.
Molecular consequence: missense variant.
Genome position (GRCh38, 1-based): chr5:149,884,524, A>G on the plus strand (T>C on the coding strand, the complement: PDE6A is on the minus strand). VCF-style: chr5-149884524-A-G. GRCh37 (hg19) VCF-style: chr5-149264087-A-G.
Other names: short protein forms M661T.
Identifiers: ClinVar variation 1006108 (VCV001006108.9), dbSNP rs1761070320, ClinGen allele CA361693299.

ClinVar aggregate classification (germline): Uncertain significance (1 of 4 stars; one submission).

Submission:

Labcorp Genetics (formerly Invitae), Labcorp
Classification: Uncertain significance. Last evaluated: 2020-02-07. Review status: criteria provided, single submitter. Criteria: Invitae Variant Classification Sherloc (09022015). Collection method: clinical testing. Allele origin: germline.
Comment: In summary, the available evidence is currently insufficient to determine the role of this variant in disease. Therefore, it has been classified as a Variant of Uncertain Significance. Algorithms developed to predict the effect of missense changes on protein structure and function are either unavailable or do not agree on the potential impact of this missense change (SIFT: "Deleterious"; PolyPhen-2: "Benign"; Align-GVGD: "Class C25"). This variant has not been reported in the literature in individuals with PDE6A-related conditions. This variant is not present in population databases (ExAC no frequency). This sequence change replaces methionine with threonine at codon 661 of the PDE6A protein (p.Met661Thr). The methionine residue is highly conserved and there is a moderate physicochemical difference between methionine and threonine.